The following is an entry in ClinVar:

NM_001556.3(IKBKB):c.1120G>C (p.Gly374Arg)

Gene: IKBKB (inhibitor of nuclear factor kappa B kinase subunit beta; plus strand). Cytogenetic location: 8p11.21.
Variant type: single nucleotide variant.
Coding change: c.1120G>C on transcript NM_001556.3 (MANE Select); coding-DNA position 1120, G replaced by C.
Protein change: p.Gly374Arg; replaces glycine 374 with arginine.
Molecular consequence: missense variant. On other transcripts: non-coding transcript variant (3).
Genome position (GRCh38, 1-based): chr8:42,316,899, G>C. VCF-style: chr8-42316899-G-C. GRCh37 (hg19) VCF-style: chr8-42174417-G-C.
Other names: c.928G>C, p.Gly310Arg (NM_001190720.3); c.943G>C, p.Gly315Arg (NM_001242778.2); short protein forms G374R, G310R, G315R.
Identifiers: ClinVar variation 3713107 (VCV003713107.2).

ClinVar aggregate classification (germline): Uncertain significance (1 of 4 stars; one submission).

Conditions:
Severe combined immunodeficiency due to IKK2 deficiency. Also called: Immunodeficiency 15; IMMUNODEFICIENCY 15B. Identifiers: Orphanet 397787, MedGen C4747743, MONDO:0014267, OMIM 615592.

gnomAD v4.1: 3 of 1,613,748 alleles (0.00019%); highest among the groups gnomAD compares: Admixed American, 0.0033%; no homozygotes.

Submission:

Labcorp Genetics (formerly Invitae), Labcorp
Classification: Uncertain significance for Severe combined immunodeficiency due to IKK2 deficiency. Last evaluated: 2024-03-28. Review status: criteria provided, single submitter. Criteria: Invitae Variant Classification Sherloc (09022015). Collection method: clinical testing. Allele origin: germline.
Comment: This sequence change replaces glycine, which is neutral and non-polar, with arginine, which is basic and polar, at codon 374 of the IKBKB protein (p.Gly374Arg). This variant is not present in population databases (gnomAD no frequency). This variant has not been reported in the literature in individuals affected with IKBKB-related conditions. Advanced modeling of protein sequence and biophysical properties (such as structural, functional, and spatial information, amino acid conservation, physicochemical variation, residue mobility, and thermodynamic stability) performed at Invitae indicates that this missense variant is not expected to disrupt IKBKB protein function with a negative predictive value of 95%. In summary, the available evidence is currently insufficient to determine the role of this variant in disease. Therefore, it has been classified as a Variant of Uncertain Significance.